The following is an entry in ClinVar:

NM_182961.4(SYNE1):c.3837+8T>C

Gene: SYNE1 (spectrin repeat containing nuclear envelope protein 1; minus strand). Cytogenetic location: 6q25.2.
Variant type: single nucleotide variant.
Coding change: c.3837+8T>C on transcript NM_182961.4 (MANE Select); 8 bases into the intron after coding-DNA position 3837, T replaced by C.
Molecular consequence: intron variant.
Genome position (GRCh38, 1-based): chr6:152,444,403, A>G on the plus strand (T>C on the coding strand, the complement: SYNE1 is on the minus strand). VCF-style: chr6-152444403-A-G. GRCh37 (hg19) VCF-style: chr6-152765538-A-G.
Other names: c.3837+8T>C (NM_182961.2); c.3858+8T>C (NM_033071.5).
Identifiers: ClinVar variation 598053 (VCV000598053.38), dbSNP rs377391406, ClinGen allele CA4058748.
Genomic context (GRCh38, chr6:152,444,403, plus strand): 5'-ATCTCTCTGGTTCTTTCAGTAGCAAATCAACTTTACATAATCTTGTTGGAAGAAAGAGGC[A>G]TTTTTACCTGGTGATGAAGAAGTAACTGCTGTGCTTCAAACAGATTTTCAGTATCCAAGA-3'

ClinVar aggregate classification (germline): Conflicting classifications of pathogenicity. Review status: criteria provided, conflicting classifications (1 of 4 stars). 4 submissions from 4 submitters: Uncertain significance (2); Likely benign (2). Last evaluated 2025-08-18.

Conditions:
Emery-Dreifuss muscular dystrophy 4, autosomal dominant (EDMD4). Also called: EMERY-DREIFUSS MUSCULAR DYSTROPHY 4 WITH VARIABLE FEATURES. Identifiers: Orphanet 261, MedGen C2751807, MONDO:0013071, OMIM 612998.
Autosomal recessive ataxia, Beauce type. Also called: SYNE1 Deficiency; SYNE1-Related Autosomal Recessive Cerebellar Ataxia; Spinocerebellar ataxia, autosomal recessive 8; ATAXIA, RECESSIVE, OF BEAUCE. Identifiers: Orphanet 88644, MedGen C1853116, MONDO:0012549, OMIM 610743.

Allele frequency attached by ClinVar (database versions not stated): ExAC 0.00001; gnomAD 0.00002; gnomAD exomes 0.00002 and 0.00005; TOPMed 0.00002; ESP Exome Variant Server 0.00008.
gnomAD v4.1: 82 of 1,613,394 alleles (0.0051%); highest among the groups gnomAD compares: Non-Finnish European, 0.0067%; no homozygotes.

Submissions (4):

Labcorp Genetics (formerly Invitae), Labcorp
Classification: Likely benign for Emery-Dreifuss muscular dystrophy 4, autosomal dominant; Autosomal recessive ataxia, Beauce type. Last evaluated: 2025-08-18. Review status: criteria provided, single submitter. Criteria: Invitae Variant Classification Sherloc (09022015). Collection method: clinical testing. Allele origin: germline.

Athena Diagnostics
Classification: Likely benign. Last evaluated: 2024-05-22. Review status: criteria provided, single submitter. Criteria: Athena Diagnostics Criteria. Collection method: clinical testing. Allele origin: unknown.

CeGaT Center for Human Genetics Tuebingen
Classification: Uncertain significance. Last evaluated: 2023-08-01. Review status: criteria provided, single submitter. Criteria: CeGaT Center For Human Genetics Tuebingen Variant Classification Criteria Version 2. Collection method: clinical testing. Allele origin: germline. Affected: yes. Observed: 1 variant allele.
Comment: SYNE1: PM2, BP4

Eurofins Ntd Llc (ga)
Classification: Uncertain significance. Last evaluated: 2018-07-19. Review status: criteria provided, single submitter. Criteria: EGL ClinVar v180209 classification definitions. Collection method: clinical testing. Allele origin: germline. Observed: 1 variant allele, 1 heterozygote.